The following is an entry in ClinVar:

NM_015295.3(SMCHD1):c.3548T>C (p.Ile1183Thr)

Gene: SMCHD1 (structural maintenance of chromosomes flexible hinge domain containing 1; plus strand). Cytogenetic location: 18p11.32.
Variant type: single nucleotide variant.
Coding change: c.3548T>C on transcript NM_015295.3 (MANE Select); coding-DNA position 3548, T replaced by C.
Protein change: p.Ile1183Thr; replaces isoleucine 1183 with threonine.
Molecular consequence: missense variant.
Genome position (GRCh38, 1-based): chr18:2,740,736, T>C. VCF-style: chr18-2740736-T-C. GRCh37 (hg19) VCF-style: chr18-2740734-T-C.
Other names: short protein forms I1183T.
Identifiers: ClinVar variation 1509329 (VCV001509329.6), dbSNP rs1469819950, ClinGen allele CA401688461.

ClinVar aggregate classification (germline): Uncertain significance (1 of 4 stars; one submission).

Conditions:
Facioscapulohumeral muscular dystrophy 2 (FSHD2). Also called: MUSCULAR DYSTROPHY, FACIOSCAPULOHUMERAL, TYPE 1B; FACIOSCAPULOHUMERAL MUSCULAR DYSTROPHY 2, DIGENIC; FSHD2, DIGENIC. Identifiers: Orphanet 269, MedGen C1834671, MONDO:0008031, OMIM 158901.

gnomAD v4.1: 1 of 1,611,002 alleles (0.000062%); highest among the groups gnomAD compares: Non-Finnish European, 0.000085%; no homozygotes.

Submission:

Labcorp Genetics (formerly Invitae), Labcorp
Classification: Uncertain significance for Facioscapulohumeral muscular dystrophy 2. Last evaluated: 2024-01-19. Review status: criteria provided, single submitter. Criteria: Invitae Variant Classification Sherloc (09022015). Collection method: clinical testing. Allele origin: germline.
Comment: This sequence change replaces isoleucine, which is neutral and non-polar, with threonine, which is neutral and polar, at codon 1183 of the SMCHD1 protein (p.Ile1183Thr). This variant is not present in population databases (gnomAD no frequency). This variant has not been reported in the literature in individuals affected with SMCHD1-related conditions. ClinVar contains an entry for this variant (Variation ID: 1509329). Advanced modeling of protein sequence and biophysical properties (such as structural, functional, and spatial information, amino acid conservation, physicochemical variation, residue mobility, and thermodynamic stability) performed at Invitae indicates that this missense variant is not expected to disrupt SMCHD1 protein function with a negative predictive value of 80%. In summary, the available evidence is currently insufficient to determine the role of this variant in disease. Therefore, it has been classified as a Variant of Uncertain Significance.